The following is an entry in ClinVar:

ClinVar aggregate classification (germline): Likely pathogenic (1 of 4 stars; one submission).

Allele frequency attached by ClinVar (database versions not stated): gnomAD exomes below 0.00001; gnomAD 0.00001.
gnomAD v4.1: 7 of 1,610,846 alleles (0.00043%); highest among the groups gnomAD compares: Non-Finnish European, 0.00059%; no homozygotes.

Submission:

Labcorp Genetics (formerly Invitae), Labcorp
Classification: Likely pathogenic. Last evaluated: 2024-06-09. Review status: criteria provided, single submitter. Criteria: Invitae Variant Classification Sherloc (09022015). Collection method: clinical testing. Allele origin: germline.
Comment: This sequence change replaces proline, which is neutral and non-polar, with alanine, which is neutral and non-polar, at codon 466 of the ALPL protein (p.Pro466Ala). This variant is not present in population databases (gnomAD no frequency). This missense change has been observed in individual(s) with clinical features of autosomal dominant hypophosphatasia (Invitae). ClinVar contains an entry for this variant (Variation ID: 1968490). Advanced modeling of protein sequence and biophysical properties (such as structural, functional, and spatial information, amino acid conservation, physicochemical variation, residue mobility, and thermodynamic stability) performed at Invitae indicates that this missense variant is expected to disrupt ALPL protein function with a positive predictive value of 95%. This variant disrupts the p.Pro466 amino acid residue in ALPL. Other variant(s) that disrupt this residue have been observed in individuals with ALPL-related conditions (PMID: 30655187, 32160374), which suggests that this may be a clinically significant amino acid residue. In summary, the currently available evidence indicates that the variant is pathogenic, but additional data are needed to prove that conclusively. Therefore, this variant has been classified as Likely Pathogenic.

Literature cited by the submitters: PubMed 30655187; PubMed 32160374.

NM_000478.6(ALPL):c.1396C>G (p.Pro466Ala)

Gene: ALPL (alkaline phosphatase, biomineralization associated; plus strand). Cytogenetic location: 1p36.12.
Variant type: single nucleotide variant.
Coding change: c.1396C>G on transcript NM_000478.6 (MANE Select); coding-DNA position 1396, C replaced by G.
Protein change: p.Pro466Ala; replaces proline 466 with alanine.
Molecular consequence: missense variant.
Genome position (GRCh38, 1-based): chr1:21,577,469, C>G. VCF-style: chr1-21577469-C-G. GRCh37 (hg19) VCF-style: chr1-21903962-C-G.
Other names: c.1231C>G, p.Pro411Ala (NM_001127501.4); c.1165C>G, p.Pro389Ala (NM_001177520.3); c.1396C>G, p.Pro466Ala (NM_001369803.2, NM_001369804.2, NM_001369805.2); short protein forms P466A, P389A, P411A.
Identifiers: ClinVar variation 1968490 (VCV001968490.5), dbSNP rs1644754641, ClinGen allele CA338882110.
Genomic context (GRCh38, chr1:21,577,469, plus strand): 5'-GCTGTGCCCCTGCGCCACGAGACCCACGGCGGGGAGGACGTGGCCGTCTTCTCCAAGGGC[C>G]CCATGGCGCACCTGCTGCACGGCGTCCACGAGCAGAACTACGTCCCCCACGTGATGGCGT-3'
Protein context (NP_000469.3, residues 456-476): GEDVAVFSKG[Pro466Ala]MAHLLHGVHE